The following is an entry in ClinVar:

NM_001165963.4(SCN1A):c.1516C>T (p.Gln506Ter)

Gene: SCN1A (sodium voltage-gated channel alpha subunit 1; minus strand). Cytogenetic location: 2q24.3.
Variant type: single nucleotide variant.
Coding change: c.1516C>T on transcript NM_001165963.4 (MANE Select); coding-DNA position 1516, C replaced by T.
Protein change: p.Gln506Ter; replaces glutamine 506 with a stop codon.
Molecular consequence: nonsense. On other transcripts: 5 prime UTR variant (1), non-coding transcript variant (1).
Genome position (GRCh38, 1-based): chr2:166,045,189, G>A on the plus strand (C>T on the coding strand, the complement: SCN1A is on the minus strand). VCF-style: chr2-166045189-G-A. GRCh37 (hg19) VCF-style: chr2-166901699-G-A.
Other names: c.1516C>T, p.Gln506Ter (NM_001165964.3, NM_001202435.3, NM_001353948.2 and 7 more transcripts); c.1513C>T, p.Gln505Ter (NM_001353954.2, NM_001353955.2, NM_001353960.2); c.-910C>T (NM_001353961.2); short protein forms Q506*, Q505*.
Identifiers: ClinVar variation 189953 (VCV000189953.9), dbSNP rs794726790, ClinGen allele CA303393.

ClinVar aggregate classification (germline): Pathogenic. Review status: criteria provided, multiple submitters, no conflicts (2 of 4 stars). 3 submissions from 3 submitters: Pathogenic (3). Last evaluated 2023-09-19.

Conditions:
Early-infantile DEE. Also called: Early infantile epileptic encephalopathy; Ohtahara syndrome; Early infantile epileptic encephalopathy with suppression bursts. Identifiers: Orphanet 1934, MedGen C0393706, MONDO:0800491.
Severe myoclonic epilepsy in infancy (DRVT). Also called: Epileptic encephalopathy, early infantile, 6 (Dravet syndrome); SEVERE MYOCLONIC EPILEPSY OF INFANCY; DEVELOPMENTAL AND EPILEPTIC ENCEPHALOPATHY 6A; Severe Myoclonic Epilepsy in Infancy (SMEI); Dravet syndrome. Identifiers: Orphanet 33069, MedGen C0751122, MONDO:0100135, OMIM 607208.

Submissions (3):

Labcorp Genetics (formerly Invitae), Labcorp
Classification: Pathogenic for Early-infantile DEE. Last evaluated: 2023-09-19. Review status: criteria provided, single submitter. Criteria: Invitae Variant Classification Sherloc (09022015). Collection method: clinical testing. Allele origin: germline.
Comment: This variant has not been reported in the literature in individuals affected with SCN1A-related conditions. For these reasons, this variant has been classified as Pathogenic. ClinVar contains an entry for this variant (Variation ID: 189953). This variant is not present in population databases (gnomAD no frequency). This sequence change creates a premature translational stop signal (p.Gln506*) in the SCN1A gene. It is expected to result in an absent or disrupted protein product. Loss-of-function variants in SCN1A are known to be pathogenic (PMID: 17347258, 18930999).

Clinical Genetics Laboratory, Skane University Hospital Lund
Classification: Pathogenic. Last evaluated: 2023-03-08. Review status: criteria provided, single submitter. Criteria: ACMG Guidelines, 2015. Collection method: clinical testing. Allele origin: germline. Affected: yes.

Center for Bioinformatics, Peking University
Classification: Pathogenic for Dravet syndrome. Last evaluated: 2014-12-20. Review status: criteria provided, single submitter. Criteria: Xu et al. (Hum Mutat. 2015). Collection method: research. Allele origin: de novo. Affected: yes. Observed: 1 variant allele. Study: University Clinical Cooperation “985 Project” PKU-2014-1-1.
Comment: Dravet syndrome (DS) probands were recruited from the outpatient and inpatient child neurology units of Peking University First Hospital from 2005 till present. The study was approved by the Ethics Committee of Peking University First Hospital and the Institutional Review Board at Peking University. Participants or their parents provided written informed consent before enrollment. We collected a total of 267 mutations from 255 families with probands diagnosed with DS in China. All probands fulfilled the clinical diagnostic criteria.

Literature cited by the submitters: PubMed 17347258 (cited by Labcorp Genetics (formerly Invitae), Labcorp); PubMed 18930999 (cited by Labcorp Genetics (formerly Invitae), Labcorp).